The following is an entry in ClinVar:

ClinVar aggregate classification (germline): Uncertain significance (1 of 4 stars; one submission).

Conditions:
Neu-Laxova syndrome 2. Identifiers: Orphanet 2671, Orphanet 583602, MedGen C4015019, MONDO:0014466, OMIM 616038.

Allele frequency attached by ClinVar (database versions not stated): gnomAD exomes below 0.00001.
gnomAD v4.1: 2 of 1,613,940 alleles (0.00012%); highest among the groups gnomAD compares: Admixed American, 0.0033%; no homozygotes.

Submission:

Labcorp Genetics (formerly Invitae), Labcorp
Classification: Uncertain significance for Neu-Laxova syndrome 2. Last evaluated: 2024-08-13. Review status: criteria provided, single submitter. Criteria: Invitae Variant Classification Sherloc (09022015). Collection method: clinical testing. Allele origin: germline.
Comment: This sequence change replaces glutamic acid, which is acidic and polar, with lysine, which is basic and polar, at codon 161 of the PSAT1 protein (p.Glu161Lys). This variant is not present in population databases (gnomAD no frequency). This variant has not been reported in the literature in individuals affected with PSAT1-related conditions. ClinVar contains an entry for this variant (Variation ID: 966566). Advanced modeling of protein sequence and biophysical properties (such as structural, functional, and spatial information, amino acid conservation, physicochemical variation, residue mobility, and thermodynamic stability) performed at Invitae indicates that this missense variant is expected to disrupt PSAT1 protein function with a positive predictive value of 80%. In summary, the available evidence is currently insufficient to determine the role of this variant in disease. Therefore, it has been classified as a Variant of Uncertain Significance.

NM_058179.4(PSAT1):c.481G>A (p.Glu161Lys)

Gene: PSAT1 (phosphoserine aminotransferase 1; plus strand). Cytogenetic location: 9q21.2.
Variant type: single nucleotide variant.
Coding change: c.481G>A on transcript NM_058179.4 (MANE Select); coding-DNA position 481, G replaced by A.
Protein change: p.Glu161Lys; replaces glutamic acid 161 with lysine.
Molecular consequence: missense variant.
Genome position (GRCh38, 1-based): chr9:78,306,397, G>A. VCF-style: chr9-78306397-G-A. GRCh37 (hg19) VCF-style: chr9-80921313-G-A.
Other names: c.481G>A, p.Glu161Lys (NM_021154.5); short protein forms E161K.
Identifiers: ClinVar variation 966566 (VCV000966566.7), dbSNP rs1828184085, ClinGen allele CA373873248.